The following is an entry in ClinVar:

ClinVar aggregate classification (germline): Pathogenic (1 of 4 stars; one submission).

Submission:

Labcorp Genetics (formerly Invitae), Labcorp
Classification: Pathogenic. Last evaluated: 2023-07-14. Review status: criteria provided, single submitter. Criteria: Invitae Variant Classification Sherloc (09022015). Collection method: clinical testing. Allele origin: germline.
Comment: This sequence change creates a premature translational stop signal (p.Leu905Cysfs*15) in the PDZD7 gene. While this is not anticipated to result in nonsense mediated decay, it is expected to disrupt the last 129 amino acid(s) of the PDZD7 protein. For these reasons, this variant has been classified as Pathogenic. This variant disrupts a region of the PDZD7 protein in which other variant(s) (p.Arg933del) have been determined to be pathogenic (Invitae). This suggests that this is a clinically significant region of the protein, and that variants that disrupt it are likely to be disease-causing. ClinVar contains an entry for this variant (Variation ID: 2020756). This variant has not been reported in the literature in individuals affected with PDZD7-related conditions. This variant is not present in population databases (gnomAD no frequency).

NM_001195263.2(PDZD7):c.2713del (p.Leu905fs)

Gene: PDZD7 (PDZ domain containing 7; minus strand). Cytogenetic location: 10q24.31.
Variant type: Deletion.
Coding change: c.2713del on transcript NM_001195263.2 (MANE Select); coding-DNA position 2713, one base deleted (C; older notation c.2713delC).
Protein change: p.Leu905fs; shifts the reading frame from leucine 905.
Molecular consequence: frameshift variant.
Genome position (GRCh38, 1-based): chr10:101,009,255, G deleted on the plus strand (C on the coding strand, the reverse complement: PDZD7 is on the minus strand); the first of 3 consecutive G bases (chr10:101,009,255-101,009,257); deleting any one gives the same sequence. VCF-style (leftmost placement, unchanged base first): chr10-101009254-AG-A. GRCh37 (hg19) VCF-style: chr10-102769011-AG-A.
Other names: short protein forms L905fs.
Identifiers: ClinVar variation 2020756 (VCV002020756.4), dbSNP rs2133994286, ClinGen allele CA2580081117.